The following is an entry in ClinVar:

ClinVar aggregate classification (germline): Conflicting classifications of pathogenicity. Review status: criteria provided, conflicting classifications (1 of 4 stars). 9 submissions from 9 submitters: Likely pathogenic (5); Uncertain significance (3). 1 of the submissions does not count toward it. Last evaluated 2025-11-13.

Conditions:
Autosomal recessive limb-girdle muscular dystrophy type 2A (LGMDR1). Also called: Muscular dystrophy, limb-girdle, type 2A, Amish; LEYDEN-MOEBIUS MUSCULAR DYSTROPHY; MUSCULAR DYSTROPHY, PELVOFEMORAL; Limb-girdle muscular dystrophy, type 2A; Calpainopathy. Identifiers: Orphanet 267, MedGen C1869123, MONDO:0009675, OMIM 253600. Disease mechanism: loss of function.
Muscular dystrophy, limb-girdle, autosomal dominant 4. Also called: Calpain-3-related limb-girdle muscular dystrophy D4; MUSCULAR DYSTROPHY, LIMB-GIRDLE, TYPE 1I. Identifiers: Orphanet 565909, MedGen C4748295, MONDO:0029133, OMIM 618129.
Autosomal recessive limb-girdle muscular dystrophy. Identifiers: Orphanet 102015, MedGen C2931907, MONDO:0015152.

Allele frequency attached by ClinVar (database versions not stated): TOPMed 0.00006; gnomAD exomes 0.00001.
gnomAD v4.1: 6 of 1,563,278 alleles (0.00038%); highest among the groups gnomAD compares: East Asian, 0.0024%; no homozygotes.

Submissions (9):

3billion
Classification: Likely pathogenic for Autosomal recessive limb-girdle muscular dystrophy type 2A. Last evaluated: 2025-11-13. Review status: criteria provided, single submitter. Criteria: ACMG Guidelines, 2015. Collection method: clinical testing. Allele origin: germline. Affected: yes.
Comment: The variant is observed at an extremely low frequency in the gnomAD v4.1.0 dataset (total allele frequency: <0.001%). Predicted Consequence/Location: Missense variant In silico tool predictions suggest damaging effect of the variant on gene or gene product [REVEL: 0.88 (>=0.6, sensitivity 0.68 and specificity 0.92); 3Cnet: 0.98 (> 0.75, sensitivity 0.96 and precision 0.92)]. The same nucleotide change resulting in the same amino acid change has been previously reported as pathogenic/likely pathogenic with supporting evidence (ClinVar ID: VCV000430022 /PMID: 15733273 /3billion dataset). A different missense change at the same codon (p.Arg357Trp) has been reported to be associated with CAPN3-related disorder (ClinVar ID: VCV000500723 /PMID: 16650086). Therefore, this variant is classified as Likely pathogenic according to the recommendation of ACMG/AMP guideline.

Natera, Inc.
Classification: Likely pathogenic for Limb-girdle muscular dystrophy type 2A. Last evaluated: 2025-06-08. Review status: criteria provided, single submitter. Criteria: Natera Variant Classification Schema (03/2026). Collection method: clinical testing. Allele origin: germline.
Comment: The c.1070G>A variant in CAPN3 is a missense variant predicted to cause substitution of arginine to glutamine at amino acid 357. This variant is rare in the general population with a frequency below the threshold expected for the associated phenotype(s). This variant has been observed in one or more individuals affected with the associated recessive disease, as either homozygous or compound heterozygous with a second variant (PMID: 33337384, 15733273). A different variant at the same position has been determined to be Pathogenic or Likely Pathogenic. Computational prediction algorithms indicate this variant is likely to affect gene or protein function. Given the available evidence, this variant is classified as Likely Pathogenic.

GeneDx
Classification: Likely pathogenic. Last evaluated: 2025-01-13. Review status: criteria provided, single submitter. Criteria: GeneDx Variant Classification Process June 2021. Collection method: clinical testing. Allele origin: germline. Affected: yes.
Comment: Reported previously in a cohort of patients with unexplained limb-girdle weakness; however, it was unclear if a second variant was found (PMID: 32528171); Not observed at significant frequency in large population cohorts (gnomAD); In silico analysis supports that this missense variant has a deleterious effect on protein structure/function; This variant is associated with the following publications: (PMID: 15733273, 17702496, 32528171, 33337384)

Genomic Medicine Center of Excellence, King Faisal Specialist Hospital and Research Centre
Classification: Uncertain significance for Autosomal recessive limb-girdle muscular dystrophy type 2A. Last evaluated: 2024-03-26. Review status: criteria provided, single submitter. Criteria: ACMG Guidelines, 2015. Collection method: clinical testing. Allele origin: germline.

Labcorp Genetics (formerly Invitae), Labcorp
Classification: Uncertain significance for Autosomal recessive limb-girdle muscular dystrophy type 2A. Last evaluated: 2024-02-17. Review status: criteria provided, single submitter. Criteria: Invitae Variant Classification Sherloc (09022015). Collection method: clinical testing. Allele origin: germline.
Comment: This sequence change replaces arginine, which is basic and polar, with glutamine, which is neutral and polar, at codon 357 of the CAPN3 protein (p.Arg357Gln). The frequency data for this variant in the population databases is considered unreliable, as metrics indicate poor data quality at this position in the gnomAD database. This missense change has been observed in individuals with autosomal recessive limb-girdle muscular dystrophy (PMID: 15733273, 32528171, 33337384). ClinVar contains an entry for this variant (Variation ID: 430022). Advanced modeling of protein sequence and biophysical properties (such as structural, functional, and spatial information, amino acid conservation, physicochemical variation, residue mobility, and thermodynamic stability) performed at Invitae indicates that this missense variant is expected to disrupt CAPN3 protein function with a positive predictive value of 80%. In summary, the available evidence is currently insufficient to determine the role of this variant in disease. Therefore, it has been classified as a Variant of Uncertain Significance.

Fulgent Genetics
Classification: Likely pathogenic for Autosomal recessive limb-girdle muscular dystrophy type 2A; Muscular dystrophy, limb-girdle, autosomal dominant 4. Last evaluated: 2023-12-21. Review status: criteria provided, single submitter. Criteria: ACMG Guidelines, 2015. Collection method: clinical testing. Allele origin: germline.

Women's Health and Genetics/Laboratory Corporation of America, LabCorp
Classification: Likely pathogenic for Autosomal recessive limb-girdle muscular dystrophy. Last evaluated: 2021-09-21. Review status: criteria provided, single submitter. Criteria: LabCorp Variant Classification Summary - May 2015. Collection method: clinical testing. Allele origin: germline.
Comment: Variant summary: CAPN3 c.1070G>A (p.Arg357Gln) results in a conservative amino acid change located in the Peptidase C2, calpain, catalytic domain of the encoded protein sequence. Four of five in-silico tools predict a damaging effect of the variant on protein function. The variant allele was found at a frequency of 5.8e-06 in 173076 control chromosomes. c.1070G>A has been reported in the literature in individuals affected with Limb-Girdle Muscular Dystrophy, including one patient in the homozygous state, and in a patient with unexplained limb-girdle weakness and/or elevated CK (Hanisch_2007, Todorova_2005, Topf_2020, Pathak_2021). The variant was reported in a patient with absent Calpain 3 on Western blot, who also carried a truncating CAPN3 variant (Todorova_2005). Four clinical diagnostic laboratories have submitted clinical-significance assessments for this variant to ClinVar after 2014 without evidence for independent evaluation. Three submitters classified the variant as VUS while one classified as likely pathogenic. Based on the evidence outlined above, the variant was classified as likely pathogenic.

Eurofins Ntd Llc (ga)
Classification: Uncertain significance. Last evaluated: 2016-10-12. Review status: criteria provided, single submitter. Criteria: EGL Classification Definitions 2015. Collection method: clinical testing. Allele origin: germline. Observed: 2 variant alleles, 2 heterozygotes.

Counsyl
Classification: Uncertain significance for Autosomal recessive limb-girdle muscular dystrophy type 2A. Last evaluated: 2017-06-20. Review status: no assertion criteria provided. Collection method: clinical testing. Allele origin: unknown. Not counted in ClinVar's aggregate classification.

Literature cited by the submitters: PubMed 15733273 (cited by 5 submitters); PubMed 16650086 (cited by 3billion); PubMed 33337384 (cited by 3 submitters); PubMed 32528171 (cited by Labcorp Genetics (formerly Invitae), Labcorp and Women's Health and Genetics/Laboratory Corporation of America, LabCorp); PubMed 17702496 (cited by Women's Health and Genetics/Laboratory Corporation of America, LabCorp).

NM_000070.3(CAPN3):c.1070G>A (p.Arg357Gln)

Gene: CAPN3 (calpain 3; plus strand). Cytogenetic location: 15q15.1.
Variant type: single nucleotide variant.
Coding change: c.1070G>A on transcript NM_000070.3 (MANE Select); coding-DNA position 1070, G replaced by A.
Protein change: p.Arg357Gln; replaces arginine 357 with glutamine.
Molecular consequence: missense variant.
Genome position (GRCh38, 1-based): chr15:42,394,296, G>A. VCF-style: chr15-42394296-G-A. GRCh37 (hg19) VCF-style: chr15-42686494-G-A.
Other names: c.1070G>A, p.Arg357Gln (NM_024344.2); c.926G>A, p.Arg309Gln (NM_173087.2); c.926G>A (NM_173087.1); short protein forms R357Q, R309Q.
Identifiers: ClinVar variation 430022 (VCV000430022.22), dbSNP rs988027905, ClinGen allele CA269840817.
Genomic context (GRCh38, chr15:42,394,296, plus strand): 5'-GCTCTTTCTGTGTGCTTAAGGTCCCGTTCAAAGGTGAGAAAGTGAAGCTGGTGCGGCTGC[G>A]GAATCCGTGGGGCCAGGTGGAGTGGAACGGTTCTTGGAGTGATAGGTAGGTGAGGGGACC-3'
Protein context (NP_000061.1, residues 347-367): KGEKVKLVRL[Arg357Gln]NPWGQVEWNG